The following is an entry in ClinVar:

NM_000306.4(POU1F1):c.747del (p.Glu250fs)

Gene: POU1F1 (POU class 1 homeobox 1; minus strand). Cytogenetic location: 3p11.2.
Variant type: Deletion.
Coding change: c.747del on transcript NM_000306.4 (MANE Select); coding-DNA position 747, one base deleted (A; older notation c.747delA).
Protein change: p.Glu250fs; shifts the reading frame from glutamic acid 250.
Molecular consequence: frameshift variant.
Genome position (GRCh38, 1-based): chr3:87,260,023, T deleted on the plus strand (A on the coding strand, the reverse complement: POU1F1 is on the minus strand); the first of 2 consecutive T bases (chr3:87,260,023-87,260,024); deleting either gives the same sequence. VCF-style (leftmost placement, unchanged base first): chr3-87260022-CT-C. GRCh37 (hg19) VCF-style: chr3-87309172-CT-C.
Other names: c.825del, p.Glu276fs (NM_001122757.3); short protein forms E276fs, E250fs.
Identifiers: ClinVar variation 13610 (VCV000013610.4), dbSNP rs587776798, ClinGen allele CA250618.

ClinVar aggregate classification (germline): Likely pathogenic. Review status: criteria provided, single submitter (1 of 4 stars). 2 submissions from 2 submitters: Likely pathogenic (1). 1 of the submissions does not count toward it. Last evaluated 2022-12-26.

Conditions:
Pituitary hormone deficiency, combined, 1 (CPHD1). Also called: Pituitary hormone deficiency, combined or isolated, 1. Identifiers: MedGen C2751608, MONDO:0024464, OMIM 613038.

Submissions (2):

Labcorp Genetics (formerly Invitae), Labcorp
Classification: Likely pathogenic. Last evaluated: 2022-12-26. Review status: criteria provided, single submitter. Criteria: Invitae Variant Classification Sherloc (09022015). Collection method: clinical testing. Allele origin: germline.
Comment: This sequence change creates a premature translational stop signal (p.Glu250Asnfs*2) in the POU1F1 gene. While this is not anticipated to result in nonsense mediated decay, it is expected to disrupt the last 42 amino acid(s) of the POU1F1 protein. This variant is present in population databases (rs587776798, gnomAD 0.01%). In summary, the currently available evidence indicates that the variant is pathogenic, but additional data are needed to prove that conclusively. Therefore, this variant has been classified as Likely Pathogenic. This variant disrupts a region of the POU1F1 protein in which other variant(s) (p.E250*) have been observed in individuals with POU1F1-related conditions (PMID: 32894409). This suggests that this is a clinically significant region of the protein, and that variants that disrupt it are likely to be disease-causing. Experimental studies have shown that this premature translational stop signal affects POU1F1 function (PMID: 11297581). Algorithms developed to predict the effect of variants on protein structure and function are not available or were not evaluated for this variant. ClinVar contains an entry for this variant (Variation ID: 13610). This premature translational stop signal has been observed in individual(s) with POU1F1-related conditions (PMID: 11297581).

OMIM
Classification: Pathogenic for PITUITARY HORMONE DEFICIENCY, COMBINED, 1. Last evaluated: 2001-04-01. Review status: no assertion criteria provided. Collection method: literature only. Allele origin: germline. Not counted in ClinVar's aggregate classification.

Literature cited by the submitters: PubMed 32894409 (cited by Labcorp Genetics (formerly Invitae), Labcorp); PubMed 11297581 (cited by Labcorp Genetics (formerly Invitae), Labcorp and OMIM).